The following is an entry in ClinVar:

ClinVar aggregate classification (germline): Pathogenic (1 of 4 stars; one submission).

Submission:

Labcorp Genetics (formerly Invitae), Labcorp
Classification: Pathogenic. Last evaluated: 2025-03-05. Review status: criteria provided, single submitter. Criteria: Invitae Variant Classification Sherloc (09022015). Collection method: clinical testing. Allele origin: germline.
Comment: This sequence change creates a premature translational stop signal (p.Phe5Valfs*73) in the PDZD7 gene. It is expected to result in an absent or disrupted protein product. Loss-of-function variants in PDZD7 are known to be pathogenic (PMID: 20440071). This variant is not present in population databases (gnomAD no frequency). This variant has not been reported in the literature in individuals affected with PDZD7-related conditions. For these reasons, this variant has been classified as Pathogenic.

Literature cited by the submitters: PubMed 20440071.

NM_001195263.2(PDZD7):c.12_20delinsCGTG (p.Phe5fs)

Gene: PDZD7 (PDZ domain containing 7; minus strand). Cytogenetic location: 10q24.31.
Variant type: Indel.
Coding change: c.12_20delinsCGTG on transcript NM_001195263.2 (MANE Select); coding-DNA positions 12 to 20, TTTCGCAGT replaced by CGTG.
Protein change: p.Phe5fs; shifts the reading frame from phenylalanine 5.
Molecular consequence: frameshift variant.
Genome position (GRCh38, 1-based): chr10:101,030,200-101,030,208, ACTGCGAAA replaced by CACG on the plus strand (TTTCGCAGT replaced by CGTG on the coding strand, the reverse complement: PDZD7 is on the minus strand). VCF-style: chr10-101030200-ACTGCGAAA-CACG. GRCh37 (hg19) VCF-style: chr10-102789957-ACTGCGAAA-CACG.
Other names: c.12_20delinsCGTG, p.Phe5fs (NM_001351044.2, NM_001437429.1, NM_024895.5); short protein forms F5fs.
Identifiers: ClinVar variation 4714492 (VCV004714492.1).
Genomic context (GRCh38, chr10:101,030,200, plus strand): 5'-GAGGAGAGGGAGCTCAGAGAGCCGGAGCTCAGGTCTCCTAGGCCCAGTGGGTCGAAGCCC[ACTGCGAAA>CACG]CCCTGCGCCATGGCGGCTGGGCTAGGGCGGCACCCTACAGGTCCAGAAGGAATCTGCTAG-3'